The following is an entry in ClinVar:

ClinVar aggregate classification (germline): Uncertain significance (1 of 4 stars; one submission).

Submission:

Women's Health and Genetics/Laboratory Corporation of America, LabCorp
Classification: Uncertain significance. Last evaluated: 2026-03-30. Review status: criteria provided, single submitter. Criteria: LabCorp Variant Classification Summary - May 2015. Collection method: clinical testing. Allele origin: germline.
Comment: Variant summary: F9 c.872A>G (p.Glu291Gly) results in a non-conservative amino acid change in the encoded protein sequence. Algorithms developed to predict the effect of missense changes on protein structure and function all suggest that this variant is likely to be disruptive. The variant was absent in 179572 control chromosomes. c.872A>G has been observed in individuals affected with Factor IX Deficiency (Hemophilia B)(e.g. Belvini_2005, Khan_2018). These data indicate that the variant may be associated with disease. To our knowledge, no experimental evidence demonstrating an impact on protein function has been reported. The following publications have been ascertained in the context of this evaluation (PMID: 15921378, 28752769). No submitters have cited clinical-significance assessments for this variant to ClinVar. Based on the evidence outlined above, the variant was classified as VUS-possibly pathogenic.

Literature cited by the submitters: PubMed 15921378; PubMed 28752769.

NM_000133.4(F9):c.872A>G (p.Glu291Gly)

Gene: F9 (coagulation factor IX; plus strand). Cytogenetic location: Xq27.1.
Variant type: single nucleotide variant.
Coding change: c.872A>G on transcript NM_000133.4 (MANE Select); coding-DNA position 872, A replaced by G.
Protein change: p.Glu291Gly; replaces glutamic acid 291 with glycine.
Molecular consequence: missense variant.
Genome position (GRCh38, 1-based): chrX:139,561,557, A>G. VCF-style: chrX-139561557-A-G. GRCh37 (hg19) VCF-style: chrX-138643716-A-G.
Other names: c.758A>G, p.Glu253Gly (NM_001313913.2); short protein forms E253G, E291G.
Identifiers: ClinVar variation 4847612 (VCV004847612.1).